The following is an entry in ClinVar:

NM_000255.4(MMUT):c.284C>G (p.Pro95Arg)

Gene: MMUT (methylmalonyl-CoA mutase; minus strand). Cytogenetic location: 6p12.3.
Variant type: single nucleotide variant.
Coding change: c.284C>G on transcript NM_000255.4 (MANE Select); coding-DNA position 284, C replaced by G.
Protein change: p.Pro95Arg; replaces proline 95 with arginine.
Molecular consequence: missense variant.
Genome position (GRCh38, 1-based): chr6:49,459,183, G>C on the plus strand (C>G on the coding strand, the complement: MMUT is on the minus strand). VCF-style: chr6-49459183-G-C. GRCh37 (hg19) VCF-style: chr6-49426896-G-C.
Other names: short protein forms P95R.
Identifiers: ClinVar variation 218985 (VCV000218985.2), dbSNP rs190834116, ClinGen allele CA347886.

ClinVar aggregate classification (germline): not provided (0 of 4 stars; one submission).

Conditions:
Methylmalonic aciduria due to methylmalonyl-CoA mutase deficiency (MAMM). Also called: Methylmalonic aciduria, mut type. Identifiers: Orphanet 27, MedGen C1855114, MONDO:0009612, OMIM 251000.

Submission:

GeneReviews
No classification provided. Condition: Methylmalonic aciduria due to methylmalonyl-CoA mutase deficiency. Review status: no classification provided. Collection method: literature only. Allele origin: germline. Affected: yes.
Comment: mut0 enzymatic subtype

Literature cited by the submitters: NCBI Bookshelf NBK1231.